The following is an entry in ClinVar:

NM_138386.3(NAF1):c.610G>A (p.Val204Ile)

Gene: NAF1 (nuclear assembly factor 1 ribonucleoprotein; minus strand). Cytogenetic location: 4q32.2.
Variant type: single nucleotide variant.
Coding change: c.610G>A on transcript NM_138386.3 (MANE Select); coding-DNA position 610, G replaced by A.
Protein change: p.Val204Ile; replaces valine 204 with isoleucine.
Molecular consequence: missense variant.
Genome position (GRCh38, 1-based): chr4:163,148,365, C>T on the plus strand (G>A on the coding strand, the complement: NAF1 is on the minus strand). VCF-style: chr4-163148365-C-T. GRCh37 (hg19) VCF-style: chr4-164069517-C-T.
Other names: c.610G>A, p.Val204Ile (NM_001128931.2); short protein forms V204I.
Identifiers: ClinVar variation 2712772 (VCV002712772.3), dbSNP rs768457743, ClinGen allele CA3126320.
Genomic context (GRCh38, chr4:163,148,365, plus strand): 5'-TGGAAACAATTTTTATTAATAGAATTCTTAACATACCTAGTTGTTCAATAATACTTGAAA[C>T]CATCCCAAGAGGCTTTAACTCAATATCTTCAGGCAGAATAATAGTGAGTTCTTCAACAGA-3'
Protein context (NP_612395.2, residues 194-214): EDIELKPLGM[Val204Ile]SSIIEQLVII

ClinVar aggregate classification (germline): Uncertain significance (1 of 4 stars; one submission).

Allele frequency attached by ClinVar (database versions not stated): TOPMed 0.00001; ExAC 0.00002; gnomAD 0.00003; gnomAD exomes 0.00003.
gnomAD v4.1: 46 of 1,568,546 alleles (0.0029%); highest among the groups gnomAD compares: Non-Finnish European, 0.0039%; no homozygotes.

Submission:

Labcorp Genetics (formerly Invitae), Labcorp
Classification: Uncertain significance. Last evaluated: 2025-05-27. Review status: criteria provided, single submitter. Criteria: Invitae Variant Classification Sherloc (09022015). Collection method: clinical testing. Allele origin: germline.
Comment: This sequence change replaces valine, which is neutral and non-polar, with isoleucine, which is neutral and non-polar, at codon 204 of the NAF1 protein (p.Val204Ile). This variant is present in population databases (rs768457743, gnomAD 0.006%). This variant has not been reported in the literature in individuals affected with NAF1-related conditions. ClinVar contains an entry for this variant (Variation ID: 2712772). An algorithm developed to predict the effect of missense changes on protein structure and function (PolyPhen-2) suggests that this variant is likely to be disruptive. In summary, the available evidence is currently insufficient to determine the role of this variant in disease. Therefore, it has been classified as a Variant of Uncertain Significance.